The following is an entry in ClinVar:

NM_001393769.1(MED12L):c.1180G>C (p.Gly394Arg)

Gene: MED12L (mediator complex subunit 12L; plus strand). Cytogenetic location: 3q25.1.
Variant type: single nucleotide variant.
Coding change: c.1180G>C on transcript NM_001393769.1 (MANE Select); coding-DNA position 1180, G replaced by C.
Protein change: p.Gly394Arg; replaces glycine 394 with arginine.
Molecular consequence: missense variant.
Genome position (GRCh38, 1-based): chr3:151,163,965, G>C. VCF-style: chr3-151163965-G-C. GRCh37 (hg19) VCF-style: chr3-150881752-G-C.
Other names: c.1180G>C, p.Gly394Arg (NM_053002.6); short protein forms G394R.
Identifiers: ClinVar variation 4685179 (VCV004685179.1).

ClinVar aggregate classification (germline): Uncertain significance (1 of 4 stars; one submission).

Submission:

GeneDx
Classification: Uncertain significance. Last evaluated: 2025-06-27. Review status: criteria provided, single submitter. Criteria: GeneDx Variant Classification Process June 2021. Collection method: clinical testing. Allele origin: germline. Affected: yes.
Comment: Not observed at significant frequency in large population cohorts (gnomAD); In silico analysis supports that this missense variant has a deleterious effect on protein structure/function; Has not been previously published as pathogenic or benign to our knowledge